The following is an entry in ClinVar:

ClinVar aggregate classification (germline): Uncertain significance. Review status: criteria provided, multiple submitters, no conflicts (2 of 4 stars). 3 submissions from 3 submitters: Uncertain significance (3). Last evaluated 2026-07-06.

Conditions:
Familial thoracic aortic aneurysm and aortic dissection (TAAD). Also called: Thoracic aortic aneurysms and dissections. Identifiers: Orphanet 91387, MedGen C4707243, MONDO:0019625.

Allele frequency attached by ClinVar (database versions not stated): TOPMed below 0.00001; gnomAD 0.00001.
gnomAD v4.1: 12 of 1,613,968 alleles (0.00074%); highest among the groups gnomAD compares: Non-Finnish European, 0.00093%; no homozygotes.

Submissions (3):

Ambry Genetics
Classification: Uncertain significance for Familial thoracic aortic aneurysm and aortic dissection. Last evaluated: 2026-07-06. Review status: criteria provided, single submitter. Criteria: Ambry Variant Classification Scheme 2023. Collection method: clinical testing. Allele origin: germline.
Comment: The p.P1352H variant (also known as c.4055C>A), located in coding exon 32 of the FBN1 gene, results from a C to A substitution at nucleotide position 4055. The proline at codon 1352 is replaced by histidine, an amino acid with similar properties. This amino acid position is conserved. In addition, the in silico prediction for this alteration is inconclusive. Based on the available evidence, the clinical significance of this variant remains unclear.

Mayo Clinic Laboratories, Mayo Clinic
Classification: Uncertain significance. Last evaluated: 2025-01-19. Review status: criteria provided, single submitter. Criteria: ACMG Guidelines, 2015. Collection method: clinical testing. Allele origin: germline. Observed: 1 variant allele.
Comment: PP2, PM2_supporting

Color Diagnostics, LLC DBA Color Health
Classification: Uncertain significance for Familial thoracic aortic aneurysm and aortic dissection. Last evaluated: 2024-03-07. Review status: criteria provided, single submitter. Criteria: ACMG Guidelines, 2015. Collection method: clinical testing. Allele origin: germline.
Comment: This missense variant replaces proline with histidine at codon 1352 of the FBN1 protein. Computational prediction is inconclusive regarding the impact of this variant on protein structure and function (internally defined REVEL score threshold 0.5 < inconclusive < 0.7, PMID: 27666373). To our knowledge, functional studies have not been reported for this variant. This variant has not been reported in individuals affected with cardiovascular disorders in the literature. This variant has been identified in 1/251334 chromosomes in the general population by the Genome Aggregation Database (gnomAD). The available evidence is insufficient to determine the role of this variant in disease conclusively. Therefore, this variant is classified as a Variant of Uncertain Significance.

NM_000138.5(FBN1):c.4055C>A (p.Pro1352His)

Gene: FBN1 (fibrillin 1; minus strand). Cytogenetic location: 15q21.1.
Variant type: single nucleotide variant.
Coding change: c.4055C>A on transcript NM_000138.5 (MANE Select); coding-DNA position 4055, C replaced by A.
Protein change: p.Pro1352His; replaces proline 1352 with histidine.
Molecular consequence: missense variant.
Genome position (GRCh38, 1-based): chr15:48,474,560, G>T on the plus strand (C>A on the coding strand, the complement: FBN1 is on the minus strand). VCF-style: chr15-48474560-G-T. GRCh37 (hg19) VCF-style: chr15-48766757-G-T.
Other names: p.Pro1352His; c.4055C>A, p.Pro1352His (NM_001406716.1); short protein forms P1352H.
Identifiers: ClinVar variation 2773350 (VCV002773350.4), dbSNP rs1459728237, ClinGen allele CA392320467.